The following is an entry in ClinVar:

ClinVar aggregate classification (germline): Uncertain significance (1 of 4 stars; one submission).

Conditions:
Left ventricular noncompaction 8 (LVNC8). Identifiers: Orphanet 154, Orphanet 54260, MedGen C3809288, MONDO:0014152, OMIM 615373.

Allele frequency attached by ClinVar (database versions not stated): gnomAD exomes below 0.00001.
gnomAD v4.1: 1 of 1,613,430 alleles (0.000062%); highest among the groups gnomAD compares: African/African-American, 0.0013%; no homozygotes.

Submission:

Labcorp Genetics (formerly Invitae), Labcorp
Classification: Uncertain significance for Left ventricular noncompaction 8. Last evaluated: 2019-02-21. Review status: criteria provided, single submitter. Criteria: Invitae Variant Classification Sherloc (09022015). Collection method: clinical testing. Allele origin: germline.
Comment: This variant has not been reported in the literature in individuals with PRDM16-related conditions. This variant is not present in population databases (ExAC no frequency). This sequence change replaces serine with threonine at codon 723 of the PRDM16 protein (p.Ser723Thr). The serine residue is highly conserved and there is a small physicochemical difference between serine and threonine. Algorithms developed to predict the effect of missense changes on protein structure and function (SIFT, PolyPhen-2, Align-GVGD) all suggest that this variant is likely to be disruptive, but these predictions have not been confirmed by published functional studies and their clinical significance is uncertain. In summary, the available evidence is currently insufficient to determine the role of this variant in disease. Therefore, it has been classified as a Variant of Uncertain Significance.

NM_022114.4(PRDM16):c.2167T>A (p.Ser723Thr)

Gene: PRDM16 (PR/SET domain 16; plus strand). Cytogenetic location: 1p36.32.
Variant type: single nucleotide variant.
Coding change: c.2167T>A on transcript NM_022114.4 (MANE Select); coding-DNA position 2167, T replaced by A.
Protein change: p.Ser723Thr; replaces serine 723 with threonine.
Molecular consequence: missense variant.
Genome position (GRCh38, 1-based): chr1:3,412,364, T>A. VCF-style: chr1-3412364-T-A. GRCh37 (hg19) VCF-style: chr1-3328928-T-A.
Other names: c.2167T>A, p.Ser723Thr (NM_199454.3); short protein forms S723T.
Identifiers: ClinVar variation 846990 (VCV000846990.9), dbSNP rs1643706770, ClinGen allele CA337999816.